The following is an entry in ClinVar:

ClinVar aggregate classification (germline): Benign. Review status: criteria provided, multiple submitters, no conflicts (2 of 4 stars). 6 submissions from 6 submitters: Benign (4). 2 of the submissions do not count toward it. Last evaluated 2026-02-04.

Conditions:
Multiple synostoses syndrome 3 (SYNS3). Identifiers: Orphanet 3237, MedGen C2751826, MONDO:0013064, OMIM 612961.

Allele frequency attached by ClinVar (database versions not stated): ESP Exome Variant Server 0.77403; gnomAD 0.78590 and 0.79366; TOPMed 0.79157; 1000 Genomes Project 30x 0.82714; 1000 Genomes Project 0.83247.
gnomAD v4.1: 1,337,665 of 1,613,372 alleles (83%); highest among the groups gnomAD compares: East Asian, 97%; 557,008 homozygotes.

Submissions (6):

Labcorp Genetics (formerly Invitae), Labcorp
Classification: Benign. Last evaluated: 2026-02-04. Review status: criteria provided, single submitter. Criteria: Invitae Variant Classification Sherloc (09022015). Collection method: clinical testing. Allele origin: germline.

Genome-Nilou Lab
Classification: Benign for Multiple synostoses syndrome 3. Last evaluated: 2021-08-10. Review status: criteria provided, single submitter. Criteria: ACMG Guidelines, 2015. Collection method: clinical testing. Allele origin: germline. Affected: no.

Illumina Laboratory Services, Illumina
Classification: Benign for Multiple synostoses syndrome 3. Last evaluated: 2018-01-13. Review status: criteria provided, single submitter. Criteria: ICSL Variant Classification Criteria 13 December 2019. Collection method: clinical testing. Allele origin: germline.
Comment: This variant was observed in the ICSL laboratory as part of a predisposition screen in an ostensibly healthy population. It had not been previously curated by ICSL or reported in the Human Gene Mutation Database (HGMD: prior to June 1st, 2018), and was therefore a candidate for classification through an automated scoring system. Utilizing variant allele frequency, disease prevalence and penetrance estimates, and inheritance mode, an automated score was calculated to assess if this variant is too frequent to cause the disease. Based on the score and internal cut-off values, a variant classified as benign is not then subjected to further curation. The score for this variant resulted in a classification of benign for this disease.

Breakthrough Genomics
Classification: Benign. Review status: criteria provided, single submitter. Criteria: ACMG Guidelines, 2015. Collection method: not provided. Allele origin: germline. Inheritance: Autosomal dominant inheritance. Affected: yes.

Diagnostic Laboratory, Department of Genetics, University Medical Center Groningen
Classification: Benign. Review status: no assertion criteria provided. Collection method: clinical testing. Allele origin: germline. Affected: yes. Study: VKGL Data-share Consensus. Not counted in ClinVar's aggregate classification.

Joint Genome Diagnostic Labs from Nijmegen and Maastricht, Radboudumc and MUMC+
Classification: Benign. Review status: no assertion criteria provided. Collection method: clinical testing. Allele origin: germline. Affected: yes. Study: VKGL Data-share Consensus. Not counted in ClinVar's aggregate classification.

NM_002010.3(FGF9):c.447A>G (p.Ser149=)

Gene: FGF9 (fibroblast growth factor 9; plus strand). Cytogenetic location: 13q12.11.
Variant type: single nucleotide variant.
Coding change: c.447A>G on transcript NM_002010.3 (MANE Select); coding-DNA position 447, A replaced by G.
Protein change: p.Ser149=; no amino-acid change (serine 149 retained).
Molecular consequence: synonymous variant.
Genome position (GRCh38, 1-based): chr13:21,701,255, A>G. VCF-style: chr13-21701255-A-G. GRCh37 (hg19) VCF-style: chr13-22275394-A-G.
Identifiers: ClinVar variation 311424 (VCV000311424.20), dbSNP rs9509841, ClinGen allele CA6909498.